The following is an entry in ClinVar:

NM_032119.4(ADGRV1):c.6443C>T (p.Ala2148Val)

Gene: ADGRV1 (adhesion G protein-coupled receptor V1; plus strand). Cytogenetic location: 5q14.3.
Variant type: single nucleotide variant.
Coding change: c.6443C>T on transcript NM_032119.4 (MANE Select); coding-DNA position 6443, C replaced by T.
Protein change: p.Ala2148Val; replaces alanine 2148 with valine.
Molecular consequence: missense variant. On other transcripts: non-coding transcript variant (1).
Genome position (GRCh38, 1-based): chr5:90,685,948, C>T. VCF-style: chr5-90685948-C-T. GRCh37 (hg19) VCF-style: chr5-89981765-C-T.
Other names: short protein forms A2148V.
Identifiers: ClinVar variation 46353 (VCV000046353.23), dbSNP rs375921325, ClinGen allele CA138177.

ClinVar aggregate classification (germline): Conflicting classifications of pathogenicity. Review status: criteria provided, conflicting classifications (1 of 4 stars). 7 submissions from 7 submitters: Uncertain significance (5); Benign (1); Likely benign (1). Last evaluated 2026-08-01.

Conditions:
ADGRV1-related disorder. Also called: ADGRV1-related disorders; ADGRV1-related condition.
Inborn genetic diseases. Identifiers: MedGen C0950123, MeSH D030342.

Allele frequency attached by ClinVar (database versions not stated): 1000 Genomes Project 30x 0.00016; gnomAD exomes 0.00003 and 0.00007; ExAC 0.00012; ESP Exome Variant Server 0.00017; 1000 Genomes Project 0.00020; gnomAD 0.00021 and 0.00022; TOPMed 0.00033.
gnomAD v4.1: 80 of 1,605,486 alleles (0.005%); highest among the groups gnomAD compares: African/African-American, 0.095%; no homozygotes.

Submissions (7):

PreventionGenetics, part of Exact Sciences
Classification: Uncertain significance for ADGRV1-related condition. Last evaluated: 2026-08-01. Review status: criteria provided, single submitter. Criteria: ACMG Guidelines, 2015. Collection method: clinical testing. Allele origin: germline.
Comment: The ADGRV1 c.6443C>T variant is predicted to result in the amino acid substitution p.Ala2148Val. To our knowledge, this variant has not been reported in the literature. This variant is present in 0.083% of alleles in individuals of African descent in gnomAD, which may be too common to be an unreported cause of disease. Although we suspect that this variant may be benign, at this time, the clinical significance of this variant is uncertain due to the absence of conclusive functional and genetic evidence.

Labcorp Genetics (formerly Invitae), Labcorp
Classification: Benign. Last evaluated: 2025-12-16. Review status: criteria provided, single submitter. Criteria: Invitae Variant Classification Sherloc (09022015). Collection method: clinical testing. Allele origin: germline.

GeneDx
Classification: Uncertain significance. Last evaluated: 2025-11-08. Review status: criteria provided, single submitter. Criteria: GeneDx Variant Classification Process June 2021. Collection method: clinical testing. Allele origin: germline. Affected: yes.
Comment: In silico analysis supports that this missense variant has a deleterious effect on protein structure/function; Has not been previously published as pathogenic or benign to our knowledge

Blueprint Genetics
Classification: Uncertain significance. Last evaluated: 2023-03-09. Review status: criteria provided, single submitter. Criteria: ACMG Guidelines, 2015. Collection method: clinical testing. Allele origin: germline.

Ambry Genetics
Classification: Uncertain significance for Inborn genetic diseases. Last evaluated: 2021-08-17. Review status: criteria provided, single submitter. Criteria: Ambry Variant Classification Scheme 2023. Collection method: clinical testing. Allele origin: germline.

Eurofins Ntd Llc (ga)
Classification: Uncertain significance. Last evaluated: 2015-01-16. Review status: criteria provided, single submitter. Criteria: EGL Classification Definitions 2015. Collection method: clinical testing. Allele origin: germline. Observed: 1 variant allele, 1 heterozygote.

Laboratory for Molecular Medicine, Mass General Brigham Personalized Medicine
Classification: Likely benign. Last evaluated: 2013-02-19. Review status: criteria provided, single submitter. Criteria: LMM Criteria. Collection method: clinical testing. Allele origin: germline. Observed: 2 variant alleles.
Comment: Ala2148Val in exon 29 of GPR98: This variant is not expected to have clinical si gnificance because it is has been identified in 3/3124 (0.09%) African American chromosomes from a broad population by the NHLBI Exome sequencing project and due to a lack of conservation across species, including mammals. Of note, possum has a valine (Val) at this position despite h igh nearby amino acid conservation. In addition, this variant has now been ident ified in our laboratory in two individuals, neither of whom had a second GPR98 v ariant.